The following is an entry in ClinVar:

NM_000081.4(LYST):c.6291C>T (p.Ala2097=)

Gene: LYST (lysosomal trafficking regulator; minus strand). Cytogenetic location: 1q42.3.
Variant type: single nucleotide variant.
Coding change: c.6291C>T on transcript NM_000081.4 (MANE Select); coding-DNA position 6291, C replaced by T.
Protein change: p.Ala2097=; no amino-acid change (alanine 2097 retained).
Molecular consequence: synonymous variant.
Genome position (GRCh38, 1-based): chr1:235,759,562, G>A on the plus strand (C>T on the coding strand, the complement: LYST is on the minus strand). VCF-style: chr1-235759562-G-A. GRCh37 (hg19) VCF-style: chr1-235922862-G-A.
Other names: p.Ala2097=; c.6291C>T, p.Ala2097= (NM_001301365.1).
Identifiers: ClinVar variation 296388 (VCV000296388.42), dbSNP rs199857997, ClinGen allele CA1466391.
Genomic context (GRCh38, chr1:235,759,562, plus strand): 5'-TTGCGTTAGTAGTGAAGAAGTAGGGAATGCTGGTAGGCTTCTAGAACGCAGCATATGGGC[G>A]GCCATCTGTTGTGGAATAATATTAGAGGAATTCTCTCCTGGTAAGAGTAGATACAAAAAT-3'
Protein context (NP_000072.2, residues 2087-2107): NSSNIIPQQM[Ala2097=]AHMLRSRSLP

ClinVar aggregate classification (germline): Conflicting classifications of pathogenicity. Review status: criteria provided, conflicting classifications (1 of 4 stars). 6 submissions from 6 submitters: Uncertain significance (1); Likely benign (4). 1 of the submissions does not count toward it. Last evaluated 2026-02-01.

Conditions:
LYST-related disorder. Also called: LYST-related condition.
Chédiak-Higashi syndrome (CHS). Also called: Chediak-Higashi Syndrome. Identifiers: Orphanet 167, MedGen C0007965, MONDO:0008963, OMIM 214500.

Allele frequency attached by ClinVar (database versions not stated): gnomAD 0.00016 and 0.00026; ExAC 0.00023; TOPMed 0.00024 and 0.00025; gnomAD exomes 0.00027 and 0.00031; ESP Exome Variant Server 0.00038; 1000 Genomes Project 0.00060; 1000 Genomes Project 30x 0.00062.
gnomAD v4.1: 499 of 1,613,338 alleles (0.031%); highest among the groups gnomAD compares: Middle Eastern, 0.083%; no homozygotes.

Submissions (6):

Labcorp Genetics (formerly Invitae), Labcorp
Classification: Likely benign for Chédiak-Higashi syndrome. Last evaluated: 2026-02-01. Review status: criteria provided, single submitter. Criteria: Invitae Variant Classification Sherloc (09022015). Collection method: clinical testing. Allele origin: germline.

Mayo Clinic Laboratories, Mayo Clinic
Classification: Likely benign. Last evaluated: 2025-05-05. Review status: criteria provided, single submitter. Criteria: ACMG Guidelines, 2015. Collection method: clinical testing. Allele origin: germline. Observed: 2 variant alleles.
Comment: BP4, BP7

Blueprint Genetics
Classification: Likely benign. Last evaluated: 2024-11-04. Review status: criteria provided, single submitter. Criteria: ACMG Guidelines, 2015. Collection method: clinical testing. Allele origin: germline.

CeGaT Center for Human Genetics Tuebingen
Classification: Likely benign. Last evaluated: 2022-06-01. Review status: criteria provided, single submitter. Criteria: CeGaT Center For Human Genetics Tuebingen Variant Classification Criteria Version 2. Collection method: clinical testing. Allele origin: germline. Affected: yes. Observed: 1 variant allele.
Comment: LYST: BP4, BP7

Illumina Laboratory Services, Illumina
Classification: Uncertain significance for Chédiak-Higashi syndrome. Last evaluated: 2018-01-13. Review status: criteria provided, single submitter. Criteria: ICSL Variant Classification Criteria 13 December 2019. Collection method: clinical testing. Allele origin: germline.

PreventionGenetics, part of Exact Sciences
Classification: Likely benign for LYST-related condition. Last evaluated: 2019-03-16. Review status: no assertion criteria provided. Collection method: clinical testing. Allele origin: germline. Not counted in ClinVar's aggregate classification.
Comment: This variant is classified as likely benign based on ACMG/AMP sequence variant interpretation guidelines (Richards et al. 2015 PMID: 25741868, with internal and published modifications).